The following is an entry in ClinVar:

NM_001367943.1(TCF7L2):c.25G>C (p.Gly9Arg)

Gene: TCF7L2 (transcription factor 7 like 2; plus strand). Cytogenetic location: 10q25.2.
Variant type: single nucleotide variant.
Coding change: c.25G>C on transcript NM_001367943.1 (MANE Select); coding-DNA position 25, G replaced by C.
Protein change: p.Gly9Arg; replaces glycine 9 with arginine.
Molecular consequence: missense variant.
Genome position (GRCh38, 1-based): chr10:112,950,781, G>C. VCF-style: chr10-112950781-G-C. GRCh37 (hg19) VCF-style: chr10-114710540-G-C.
Other names: c.25G>C, p.Gly9Arg (NM_001146274.2, NM_001146283.2, NM_001146284.2 and 11 more transcripts); short protein forms G9R.
Identifiers: ClinVar variation 3368132 (VCV003368132.2).

ClinVar aggregate classification (germline): Uncertain significance (1 of 4 stars; one submission).

Submission:

GeneDx
Classification: Uncertain significance. Last evaluated: 2026-04-06. Review status: criteria provided, single submitter. Criteria: GeneDx Variant Classification Process June 2021. Collection method: clinical testing. Allele origin: germline.
Comment: Not observed at significant frequency in large population cohorts (gnomAD); In silico analysis supports that this missense variant has a deleterious effect on protein structure/function; Has not been previously published as pathogenic or benign to our knowledge